The following is an entry in ClinVar:

ClinVar aggregate classification (germline): Uncertain significance. Review status: criteria provided, multiple submitters, no conflicts (2 of 4 stars). 2 submissions from 2 submitters: Uncertain significance (2). Last evaluated 2024-02-24.

Conditions:
Inborn genetic diseases. Identifiers: MedGen C0950123, MeSH D030342.

Allele frequency attached by ClinVar (database versions not stated): gnomAD exomes 0.00001; TOPMed 0.00001; ExAC 0.00002; gnomAD 0.00002.

Submissions (2):

Labcorp Genetics (formerly Invitae), Labcorp
Classification: Uncertain significance. Last evaluated: 2024-02-24. Review status: criteria provided, single submitter. Criteria: Invitae Variant Classification Sherloc (09022015). Collection method: clinical testing. Allele origin: germline.
Comment: This sequence change replaces arginine, which is basic and polar, with histidine, which is basic and polar, at codon 241 of the DHCR24 protein (p.Arg241His). This variant is present in population databases (rs764133417, gnomAD 0.02%). This variant has not been reported in the literature in individuals affected with DHCR24-related conditions. ClinVar contains an entry for this variant (Variation ID: 1970127). Advanced modeling of protein sequence and biophysical properties (such as structural, functional, and spatial information, amino acid conservation, physicochemical variation, residue mobility, and thermodynamic stability) performed at Invitae indicates that this missense variant is not expected to disrupt DHCR24 protein function with a negative predictive value of 80%. In summary, the available evidence is currently insufficient to determine the role of this variant in disease. Therefore, it has been classified as a Variant of Uncertain Significance.

Ambry Genetics
Classification: Uncertain significance for Inborn genetic diseases. Last evaluated: 2022-02-03. Review status: criteria provided, single submitter. Criteria: Ambry Variant Classification Scheme 2023. Collection method: clinical testing. Allele origin: germline.

NM_014762.4(DHCR24):c.722G>A (p.Arg241His)

Gene: DHCR24 (24-dehydrocholesterol reductase; minus strand). Cytogenetic location: 1p32.3.
Variant type: single nucleotide variant.
Coding change: c.722G>A on transcript NM_014762.4 (MANE Select); coding-DNA position 722, G replaced by A.
Protein change: p.Arg241His; replaces arginine 241 with histidine.
Molecular consequence: missense variant.
Genome position (GRCh38, 1-based): chr1:54,871,504, C>T on the plus strand (G>A on the coding strand, the complement: DHCR24 is on the minus strand). VCF-style: chr1-54871504-C-T. GRCh37 (hg19) VCF-style: chr1-55337177-C-T.
Other names: short protein forms R241H.
Identifiers: ClinVar variation 1970127 (VCV001970127.6), dbSNP rs764133417, ClinGen allele CA870743.
Genomic context (GRCh38, chr1:54,871,504, plus strand): 5'-CGCTGGGACTCGTGGGTGAACTTGGCACAGATAGCCTCCAGGCCCCGCACTGGCTCGAAA[C>T]GCAGCTTGACGTACTTCTTGGCAGGGATGATGCGGATCTCAGCGGCCACCAGGAAACCCA-3'
Protein context (NP_055577.1, residues 231-251): IIPAKKYVKL[Arg241His]FEPVRGLEAI